The following is an entry in ClinVar:

ClinVar aggregate classification (germline): Uncertain significance (1 of 4 stars; one submission).

Conditions:
Baller-Gerold syndrome (BGS). Also called: CRANIOSYNOSTOSIS WITH RADIAL DEFECTS. Identifiers: Orphanet 1225, MedGen C0265308, MONDO:0009039, OMIM 218600.

Submission:

Labcorp Genetics (formerly Invitae), Labcorp
Classification: Uncertain significance for Baller-Gerold syndrome. Last evaluated: 2022-02-19. Review status: criteria provided, single submitter. Criteria: Invitae Variant Classification Sherloc (09022015). Collection method: clinical testing. Allele origin: germline.
Comment: In summary, the available evidence is currently insufficient to determine the role of this variant in disease. Therefore, it has been classified as a Variant of Uncertain Significance. Experimental studies and prediction algorithms are not available or were not evaluated, and the functional significance of this variant is currently unknown. This variant has not been reported in the literature in individuals affected with RECQL4-related conditions. This variant is not present in population databases (gnomAD no frequency). This sequence change replaces glycine, which is neutral and non-polar, with valine, which is neutral and non-polar, at codon 639 of the RECQL4 protein (p.Gly639Val).

NM_004260.4(RECQL4):c.1916G>T (p.Gly639Val)

Gene: RECQL4 (RecQ like helicase 4; minus strand). Cytogenetic location: 8q24.3.
Variant type: single nucleotide variant.
Coding change: c.1916G>T on transcript NM_004260.4 (MANE Select); coding-DNA position 1916, G replaced by T.
Protein change: p.Gly639Val; replaces glycine 639 with valine.
Molecular consequence: missense variant.
Genome position (GRCh38, 1-based): chr8:144,514,070, C>A on the plus strand (G>T on the coding strand, the complement: RECQL4 is on the minus strand). VCF-style: chr8-144514070-C-A. GRCh37 (hg19) VCF-style: chr8-145739454-C-A.
Other names: c.1820G>T, p.Gly607Val (NM_001413017.1, NM_001413020.1); c.1916G>T, p.Gly639Val (NM_001413018.1, NM_001413019.1, NM_001413036.1); c.845G>T, p.Gly282Val (NM_001413021.1, NM_001413022.1, NM_001413023.1 and 6 more transcripts); c.1787G>T, p.Gly596Val (NM_001413025.1); c.779G>T, p.Gly260Val (NM_001413027.1, NM_001413030.1, NM_001413032.1 and 1 more transcripts); c.1565G>T, p.Gly522Val (NM_001413029.1); c.647G>T, p.Gly216Val (NM_001413031.1); c.449G>T, p.Gly150Val (NM_001413043.1); and 4 more; short protein forms G238V, G596V, G629V, G639V, G150V, G272V, G522V, G282V.
Identifiers: ClinVar variation 2099258 (VCV002099258.4), dbSNP rs1586809019, ClinGen allele CA372680489.